The following is an entry in ClinVar:

ClinVar aggregate classification (germline): Pathogenic (1 of 4 stars; one submission).

Conditions:
Primary ciliary dyskinesia 3. Identifiers: Orphanet 244, MedGen C1837618, MONDO:0012085, OMIM 608644.

Submission:

Myriad Genetics, Inc.
Classification: Pathogenic for Primary ciliary dyskinesia 3. Last evaluated: 2023-09-27. Review status: criteria provided, single submitter. Criteria: Myriad Autosomal Dominant, Autosomal Recessive and X-Linked Classification Criteria (2023). Collection method: clinical testing. Allele origin: unknown.
Comment: NM_001369.2(DNAH5):c.13414dupG(V4472Gfs*16) is expected to be pathogenic in the context of primary ciliary dyskinesia, DNAH5-related. This variant is predicted to lead to an abnormal or absent protein product due to the creation of a premature termination codon in DNAH5, a gene where loss-of-function variants are known to be pathogenic. Please note: this variant was assessed in the context of healthy population screening.

NM_001369.3(DNAH5):c.13414dup (p.Val4472fs)

Gene: DNAH5 (dynein axonemal heavy chain 5; minus strand). Cytogenetic location: 5p15.2.
Variant type: Duplication.
Coding change: c.13414dup on transcript NM_001369.3 (MANE Select); coding-DNA position 13414, one base duplicated (G; older notation c.13414dupG).
Protein change: p.Val4472fs; shifts the reading frame from valine 4472.
Molecular consequence: frameshift variant.
Genome position (GRCh38, 1-based): chr5:13,701,361, C duplicated on the plus strand (G on the coding strand, the reverse complement: DNAH5 is on the minus strand); the first of 3 consecutive C bases (chr5:13,701,361-13,701,363); duplicating any one gives the same sequence. VCF-style (leftmost placement, unchanged base first): chr5-13701360-A-AC. GRCh37 (hg19) VCF-style: chr5-13701469-A-AC.
Other names: short protein forms V4472fs.
Identifiers: ClinVar variation 5011780 (VCV005011780.1).